The following is an entry in ClinVar:

NM_001077365.2(POMT1):c.606del (p.Ile203fs)

Gene: POMT1 (protein O-mannosyltransferase 1; plus strand). Cytogenetic location: 9q34.13.
Variant type: Deletion.
Coding change: c.606del on transcript NM_001077365.2 (MANE Select); coding-DNA position 606, one base deleted (C; older notation c.606delC).
Protein change: p.Ile203fs; shifts the reading frame from isoleucine 203.
Molecular consequence: frameshift variant. On other transcripts: non-coding transcript variant (10).
Genome position (GRCh38, 1-based): chr9:131,509,903, C deleted. VCF-style (leftmost placement, unchanged base first): chr9-131509902-GC-G. GRCh37 (hg19) VCF-style: chr9-134385289-GC-G.
Other names: c.255del, p.Ile86fs (NM_001374691.1, NM_001374692.1, NM_001136114.2 and 2 more transcripts); c.444del, p.Ile149fs (NM_001374693.1, NM_001077366.2, NM_001353194.2 and 3 more transcripts); c.150del, p.Ile51fs (NM_001374695.1, NM_001353200.2); c.606del, p.Ile203fs (NM_007171.4, NM_001136113.2, NM_001353193.2 and 1 more transcripts); c.606delC (NM_007171.3); c.516del, p.Ile173fs (NM_001353196.2); short protein forms I173fs, I51fs, I149fs, I86fs, I203fs.
Identifiers: ClinVar variation 638831 (VCV000638831.7), dbSNP rs1588375386, ClinGen allele CA915947213.

ClinVar aggregate classification (germline): Pathogenic (1 of 4 stars; one submission).

Conditions:
Muscular dystrophy-dystroglycanopathy (congenital with impaired intellectual development), type B, 1. Also called: Muscular dystrophy-dystroglycanopathy (congenital with intellectual disability), type B1; MUSCULAR DYSTROPHY, CONGENITAL, POMT1-RELATED. Identifiers: MedGen C5436962, MONDO:0013159, OMIM 613155.
Autosomal recessive limb-girdle muscular dystrophy type 2K. Also called: MUSCULAR DYSTROPHY-DYSTROGLYCANOPATHY (LIMB-GIRDLE), TYPE C, 1; MUSCULAR DYSTROPHY, LIMB-GIRDLE, TYPE 2K. Identifiers: Orphanet 86812, MedGen C1836373, MONDO:0012248, OMIM 609308.
Walker-Warburg congenital muscular dystrophy. Also called: Muscular dystrophy-dystroglycanopathy, type A; Walker-Warburg syndrome. Identifiers: Orphanet 899, MedGen C0265221, MONDO:0000171.

Submission:

Labcorp Genetics (formerly Invitae), Labcorp
Classification: Pathogenic for Muscular dystrophy-dystroglycanopathy (congenital with impaired intellectual development), type B, 1; Walker-Warburg congenital muscular dystrophy; Autosomal recessive limb-girdle muscular dystrophy type 2K. Last evaluated: 2018-10-24. Review status: criteria provided, single submitter. Criteria: Invitae Variant Classification Sherloc (09022015). Collection method: clinical testing. Allele origin: germline.
Comment: This variant has not been reported in the literature in individuals with POMT1-related disease. For these reasons, this variant has been classified as Pathogenic. Loss-of-function variants in POMT1 are known to be pathogenic (PMID: 12369018, 15637732, 16575835). This variant is not present in population databases (ExAC no frequency). This sequence change creates a premature translational stop signal (p.Ile203Serfs*32) in the POMT1 gene. It is expected to result in an absent or disrupted protein product.

Literature cited by the submitters: PubMed 12369018; PubMed 15637732; PubMed 16575835.